The following is an entry in ClinVar:

ClinVar aggregate classification (germline): Uncertain significance (1 of 4 stars; one submission).

Allele frequency attached by ClinVar (database versions not stated): gnomAD 0.00001; TOPMed 0.00002.
gnomAD v4.1: 5 of 1,613,344 alleles (0.00031%); highest among the groups gnomAD compares: Admixed American, 0.0033%; no homozygotes.

Submission:

Labcorp Genetics (formerly Invitae), Labcorp
Classification: Uncertain significance. Last evaluated: 2023-11-12. Review status: criteria provided, single submitter. Criteria: Invitae Variant Classification Sherloc (09022015). Collection method: clinical testing. Allele origin: germline.
Comment: This sequence change replaces glycine, which is neutral and non-polar, with arginine, which is basic and polar, at codon 1312 of the CARMIL2 protein (p.Gly1312Arg). This variant is present in population databases (no rsID available, gnomAD no frequency). This variant has not been reported in the literature in individuals affected with CARMIL2-related conditions. Advanced modeling of protein sequence and biophysical properties (such as structural, functional, and spatial information, amino acid conservation, physicochemical variation, residue mobility, and thermodynamic stability) performed at Invitae indicates that this missense variant is not expected to disrupt CARMIL2 protein function with a negative predictive value of 80%. In summary, the available evidence is currently insufficient to determine the role of this variant in disease. Therefore, it has been classified as a Variant of Uncertain Significance.

NM_001013838.3(CARMIL2):c.3934G>C (p.Gly1312Arg)

Gene: CARMIL2 (capping protein regulator and myosin 1 linker 2; plus strand). Cytogenetic location: 16q22.1.
Variant type: single nucleotide variant.
Coding change: c.3934G>C on transcript NM_001013838.3 (MANE Select); coding-DNA position 3934, G replaced by C.
Protein change: p.Gly1312Arg; replaces glycine 1312 with arginine.
Molecular consequence: missense variant.
Genome position (GRCh38, 1-based): chr16:67,656,543, G>C. VCF-style: chr16-67656543-G-C. GRCh37 (hg19) VCF-style: chr16-67690446-G-C.
Other names: c.3826G>C, p.Gly1276Arg (NM_001317026.3); short protein forms G1276R, G1312R.
Identifiers: ClinVar variation 2918993 (VCV002918993.3), dbSNP rs998108691, ClinGen allele CA283214105.
Genomic context (GRCh38, chr16:67,656,543, plus strand): 5'-CTGGGGCAGCAGTTGAATGCGGAGCTCAGGAGCCGTGGTTGGGGCCAACAGGATGGTCCA[G>C]GCCCTCCCTCCCCTGGTCAAAGCCCAAGTCCCTGCAGAACCAGCCCCTCCCCAGACAGCC-3'
Protein context (NP_001013860.1, residues 1302-1322): SRGWGQQDGP[Gly1312Arg]PPSPGQSPSP